The following is an entry in ClinVar:

ClinVar aggregate classification (germline): Pathogenic. Review status: criteria provided, multiple submitters, no conflicts (2 of 4 stars). 2 submissions from 2 submitters: Pathogenic (2). Last evaluated 2025-02-24.

Conditions:
Microcephaly, normal intelligence and immunodeficiency (NBS). Also called: IMMUNODEFICIENCY, MICROCEPHALY, AND CHROMOSOMAL INSTABILITY; SEEMANOVA SYNDROME II; Nijmegen breakage syndrome; Microcephaly with normal intelligence immunodeficiency and lymphoreticular malignancies; Nonsyndromal microcephaly autosomal recessive with normal intelligence; Seemanova syndrome 2. Identifiers: Orphanet 647, MedGen C0398791, MONDO:0009623, OMIM 251260.

Submissions (2):

Labcorp Genetics (formerly Invitae), Labcorp
Classification: Pathogenic for Microcephaly, normal intelligence and immunodeficiency. Last evaluated: 2025-02-24. Review status: criteria provided, single submitter. Criteria: Invitae Variant Classification Sherloc (09022015). Collection method: clinical testing. Allele origin: germline.
Comment: This sequence change creates a premature translational stop signal (p.Gln565*) in the NBN gene. It is expected to result in an absent or disrupted protein product. Loss-of-function variants in NBN are known to be pathogenic (PMID: 9590180, 16415040). This variant is not present in population databases (gnomAD no frequency). This variant has not been reported in the literature in individuals affected with NBN-related conditions. ClinVar contains an entry for this variant (Variation ID: 639322). For these reasons, this variant has been classified as Pathogenic.

Myriad Genetics, Inc.
Classification: Pathogenic for Microcephaly, normal intelligence and immunodeficiency. Last evaluated: 2024-05-08. Review status: criteria provided, single submitter. Criteria: Myriad Autosomal Dominant, Autosomal Recessive and X-Linked Classification Criteria (2023). Collection method: clinical testing. Allele origin: unknown.
Comment: NM_002485.4(NBN):c.1693C>T(Q565*) is expected to be pathogenic in the context of Nijmegen breakage syndrome. This variant is predicted to lead to an abnormal or absent protein product due to the creation of a premature termination codon in NBN, a gene where loss-of-function variants are known to be pathogenic. Please note: this variant was assessed in the context of healthy population screening.

Literature cited by the submitters: PubMed 9590180 (cited by Labcorp Genetics (formerly Invitae), Labcorp); PubMed 16415040 (cited by Labcorp Genetics (formerly Invitae), Labcorp).

NM_002485.5(NBN):c.1693C>T (p.Gln565Ter)

Gene: NBN (nibrin; minus strand). Cytogenetic location: 8q21.3.
Variant type: single nucleotide variant.
Coding change: c.1693C>T on transcript NM_002485.5 (MANE Select); coding-DNA position 1693, C replaced by T.
Protein change: p.Gln565Ter; replaces glutamine 565 with a stop codon.
Molecular consequence: nonsense.
Genome position (GRCh38, 1-based): chr8:89,953,396, G>A on the plus strand (C>T on the coding strand, the complement: NBN is on the minus strand). VCF-style: chr8-89953396-G-A. GRCh37 (hg19) VCF-style: chr8-90965624-G-A.
Other names: c.1447C>T, p.Gln483Ter (NM_001024688.3); short protein forms Q565*, Q483*.
Identifiers: ClinVar variation 639322 (VCV000639322.7), dbSNP rs1586053399, ClinGen allele CA371655306.